The following is an entry in ClinVar:

NM_001253697.2(ERBIN):c.3931C>A (p.Pro1311Thr)

Gene: ERBIN (erbb2 interacting protein; plus strand). Cytogenetic location: 5q12.3.
Variant type: single nucleotide variant.
Coding change: c.3931C>A on transcript NM_001253697.2 (MANE Select); coding-DNA position 3931, C replaced by A.
Protein change: p.Pro1311Thr; replaces proline 1311 with threonine.
Molecular consequence: missense variant. On other transcripts: intron variant (1).
Genome position (GRCh38, 1-based): chr5:66,075,198, C>A. VCF-style: chr5-66075198-C-A. GRCh37 (hg19) VCF-style: chr5-65371026-C-A.
Other names: c.3808C>A, p.Pro1270Thr (NM_001253698.2, NM_018695.4); c.3952C>A, p.Pro1318Thr (NM_001253699.2); c.3796C>A, p.Pro1266Thr (NM_001253701.2); c.3634-1118C>A (NM_001006600.3); short protein forms P1266T, P1270T, P1311T, P1318T.
Identifiers: ClinVar variation 1063419 (VCV001063419.9), dbSNP rs1435654171, ClinGen allele CA359871276.
Genomic context (GRCh38, chr5:66,075,198, plus strand): 5'-ATTGATTACTTGATGCTGAAAGTGGCCCACCAGCCTCCATATACACAGCCCCATTGTTCT[C>A]CTAGACAAGGCCATGAACTGGCAAAACAAGAGGTAAGAATAATCAAGACTATTTGAAATA-3'
Protein context (NP_001240626.1, residues 1301-1321): QPPYTQPHCS[Pro1311Thr]RQGHELAKQE

ClinVar aggregate classification (germline): Uncertain significance (1 of 4 stars; one submission).

Submission:

Labcorp Genetics (formerly Invitae), Labcorp
Classification: Uncertain significance. Last evaluated: 2020-10-19. Review status: criteria provided, single submitter. Criteria: Invitae Variant Classification Sherloc (09022015). Collection method: clinical testing. Allele origin: germline.
Comment: In summary, the available evidence is currently insufficient to determine the role of this variant in disease. Therefore, it has been classified as a Variant of Uncertain Significance. Algorithms developed to predict the effect of missense changes on protein structure and function are either unavailable or do not agree on the potential impact of this missense change (SIFT: "Deleterious"; PolyPhen-2: "Benign"; Align-GVGD: "Class C0"). This variant has not been reported in the literature in individuals with ERBIN-related conditions. This variant is not present in population databases (ExAC no frequency). This sequence change replaces proline with threonine at codon 1311 of the ERBIN protein (p.Pro1311Thr). The proline residue is moderately conserved and there is a small physicochemical difference between proline and threonine.